The following is an entry in ClinVar:

NC_000017.10:g.(?_41209049)_(41228666_?)del

Gene: BRCA1 (BRCA1 DNA repair associated; minus strand). Cytogenetic location: 17q21.31.
Variant type: Deletion.
Identifiers: ClinVar variation 3242985 (VCV003242985.1).

ClinVar aggregate classification (germline): Pathogenic (1 of 4 stars; one submission).

Conditions:
Hereditary breast ovarian cancer syndrome. Also called: Hereditary breast and ovarian cancer syndrome; Hereditary breast and ovarian cancer; Hereditary breast and ovarian cancer syndrome (HBOC); Breast and ovarian cancer; Hereditary breast and/or ovarian cancer syndrome; BRCA1- and BRCA2-Associated Hereditary Breast and Ovarian Cancer. Identifiers: Orphanet 145, MedGen C0677776, MeSH D061325, MONDO:0003582. Disease mechanism: loss of function.

Submission:

Labcorp Genetics (formerly Invitae), Labcorp
Classification: Pathogenic for Hereditary breast ovarian cancer syndrome. Last evaluated: 2023-12-15. Review status: criteria provided, single submitter. Criteria: Invitae Variant Classification Sherloc (09022015). Collection method: clinical testing. Allele origin: unknown.
Comment: This variant is a gross deletion of the genomic region encompassing exon(s) 13-19 of the BRCA1 gene. This deletion is out-of-frame, and is expected to create a premature termination codon and result in an absent or disrupted protein product. Loss-of-function variants in BRCA1 are known to be pathogenic (PMID: 20104584). A similar copy number variant has been observed in individual(s) with breast and/or ovarian cancer (PMID: 12960223, 15681486, 16551709, 20616022). This variant is also known as a deletion of exons 14-20. For these reasons, this variant has been classified as Pathogenic.

Literature cited by the submitters: PubMed 20104584; PubMed 12960223; PubMed 15681486; PubMed 16551709; PubMed 20616022.